The following is an entry in ClinVar:

NM_005120.3(MED12):c.5917T>C (p.Tyr1973His)

Gene: MED12 (mediator complex subunit 12; plus strand). Cytogenetic location: Xq13.1.
Variant type: single nucleotide variant.
Coding change: c.5917T>C on transcript NM_005120.3 (MANE Select); coding-DNA position 5917, T replaced by C.
Protein change: p.Tyr1973His; replaces tyrosine 1973 with histidine.
Molecular consequence: missense variant.
Genome position (GRCh38, 1-based): chrX:71,137,816, T>C. VCF-style: chrX-71137816-T-C. GRCh37 (hg19) VCF-style: chrX-70357666-T-C.
Other names: short protein forms Y1973H.
Identifiers: ClinVar variation 1800711 (VCV001800711.1), dbSNP rs2519715622, ClinGen allele CA413539277.

ClinVar aggregate classification (germline): Uncertain significance (1 of 4 stars; one submission).

Submission:

GeneDx
Classification: Uncertain significance. Last evaluated: 2022-05-17. Review status: criteria provided, single submitter. Criteria: GeneDx Variant Classification Process June 2021. Collection method: clinical testing. Allele origin: germline. Affected: yes.
Comment: Has not been previously published as pathogenic or benign to our knowledge; Not observed at significant frequency in large population cohorts (gnomAD); In silico analysis supports that this missense variant does not alter protein structure/function